The following is an entry in ClinVar:

NM_004380.3(CREBBP):c.7154C>T (p.Pro2385Leu)

Gene: CREBBP (CREB binding lysine acetyltransferase; minus strand). Cytogenetic location: 16p13.3.
Variant type: single nucleotide variant.
Coding change: c.7154C>T on transcript NM_004380.3 (MANE Select); coding-DNA position 7154, C replaced by T.
Protein change: p.Pro2385Leu; replaces proline 2385 with leucine.
Molecular consequence: missense variant.
Genome position (GRCh38, 1-based): chr16:3,727,893, G>A on the plus strand (C>T on the coding strand, the complement: CREBBP is on the minus strand). VCF-style: chr16-3727893-G-A. GRCh37 (hg19) VCF-style: chr16-3777894-G-A.
Other names: c.7040C>T, p.Pro2347Leu (NM_001079846.1); short protein forms P2347L, P2385L.
Identifiers: ClinVar variation 4074690 (VCV004074690.2).

ClinVar aggregate classification (germline): Uncertain significance (1 of 4 stars; one submission).

Submission:

GeneDx
Classification: Uncertain significance. Last evaluated: 2026-10-01. Review status: criteria provided, single submitter. Criteria: GeneDx Variant Classification Process June 2021. Collection method: clinical testing. Allele origin: germline.
Comment: Not observed at significant frequency in large population cohorts (gnomAD); In silico analysis supports that this missense variant has a deleterious effect on protein structure/function; Has not been previously published as pathogenic or benign to our knowledge